The following is an entry in ClinVar:

ClinVar aggregate classification (germline): Likely benign (1 of 4 stars; one submission).

Submission:

CeGaT Center for Human Genetics Tuebingen
Classification: Likely benign. Last evaluated: 2026-02-01. Review status: criteria provided, single submitter. Criteria: CeGaT Center For Human Genetics Tuebingen Variant Classification Criteria Version 2. Collection method: clinical testing. Allele origin: germline. Affected: yes. Observed: 1 variant allele.
Comment: RGPD4: PM2:Supporting, BP4, BP7

NM_182588.3(RGPD4):c.3289A>C (p.Arg1097=)

Gene: RGPD4 (RANBP2 like and GRIP domain containing 4; plus strand). Cytogenetic location: 2q12.3.
Variant type: single nucleotide variant.
Coding change: c.3289A>C on transcript NM_182588.3 (MANE Select); coding-DNA position 3289, A replaced by C.
Protein change: p.Arg1097=; no amino-acid change (arginine 1097 retained).
Molecular consequence: synonymous variant.
Genome position (GRCh38, 1-based): chr2:107,871,293, A>C. VCF-style: chr2-107871293-A-C. GRCh37 (hg19) VCF-style: chr2-108487749-A-C.
Identifiers: ClinVar variation 4823457 (VCV004823457.4).